The following is an entry in ClinVar:

ClinVar aggregate classification (germline): Likely benign. Review status: criteria provided, multiple submitters, no conflicts (2 of 4 stars). 2 submissions from 2 submitters: Likely benign (2). Last evaluated 2026-04-01.

Allele frequency attached by ClinVar (database versions not stated): TOPMed below 0.00001; gnomAD 0.00003; ExAC 0.00004; 1000 Genomes Project 30x 0.00031; 1000 Genomes Project 0.00040.
gnomAD v4.1: 46 of 1,614,108 alleles (0.0028%); highest among the groups gnomAD compares: Middle Eastern, 0.016%; no homozygotes.

Submissions (2):

CeGaT Center for Human Genetics Tuebingen
Classification: Likely benign. Last evaluated: 2026-04-01. Review status: criteria provided, single submitter. Criteria: CeGaT Center For Human Genetics Tuebingen Variant Classification Criteria Version 2. Collection method: clinical testing. Allele origin: germline. Affected: yes. Observed: 1 variant allele.
Comment: TRRAP: BP4, BP7

Labcorp Genetics (formerly Invitae), Labcorp
Classification: Likely benign. Last evaluated: 2022-11-28. Review status: criteria provided, single submitter. Criteria: Invitae Variant Classification Sherloc (09022015). Collection method: clinical testing. Allele origin: germline.

NM_001375524.1(TRRAP):c.2241G>A (p.Ala747=)

Gene: TRRAP (transformation/transcription domain associated protein; plus strand). Cytogenetic location: 7q22.1.
Variant type: single nucleotide variant.
Coding change: c.2241G>A on transcript NM_001375524.1 (MANE Select); coding-DNA position 2241, G replaced by A.
Protein change: p.Ala747=; no amino-acid change (alanine 747 retained).
Molecular consequence: synonymous variant.
Genome position (GRCh38, 1-based): chr7:98,915,764, G>A. VCF-style: chr7-98915764-G-A. GRCh37 (hg19) VCF-style: chr7-98513387-G-A.
Other names: c.2241G>A, p.Ala747= (NM_001244580.2, NM_003496.4).
Identifiers: ClinVar variation 2905656 (VCV002905656.5), dbSNP rs543046396, ClinGen allele CA4359730.